The following is an entry in ClinVar:

NM_004370.6(COL12A1):c.3260T>G (p.Phe1087Cys)

Gene: COL12A1 (collagen type XII alpha 1 chain; minus strand). Cytogenetic location: 6q13.
Variant type: single nucleotide variant.
Coding change: c.3260T>G on transcript NM_004370.6 (MANE Select); coding-DNA position 3260, T replaced by G.
Protein change: p.Phe1087Cys; replaces phenylalanine 1087 with cysteine.
Molecular consequence: missense variant. On other transcripts: intron variant (1).
Genome position (GRCh38, 1-based): chr6:75,155,845, A>C on the plus strand (T>G on the coding strand, the complement: COL12A1 is on the minus strand). VCF-style: chr6-75155845-A-C. GRCh37 (hg19) VCF-style: chr6-75865561-A-C.
Other names: c.74-3363T>G (NM_080645.3); short protein forms F1087C.
Identifiers: ClinVar variation 1000968 (VCV001000968.9), dbSNP rs1767727217, ClinGen allele CA364753105.

ClinVar aggregate classification (germline): Uncertain significance (1 of 4 stars; one submission).

Conditions:
Ullrich congenital muscular dystrophy 2 (UCMD2). Identifiers: Orphanet 75840, MedGen C4225314, MONDO:0014654, OMIM 616470.
Bethlem myopathy 2 (BTHLM2). Identifiers: Orphanet 536516, Orphanet 610, MedGen C4225313, MONDO:0034022, OMIM 616471.

Allele frequency attached by ClinVar (database versions not stated): gnomAD exomes below 0.00001.
gnomAD v4.1: 1 of 1,597,950 alleles (0.000063%); highest among the groups gnomAD compares: Non-Finnish European, 0.000085%; no homozygotes.

Submission:

Labcorp Genetics (formerly Invitae), Labcorp
Classification: Uncertain significance for Bethlem myopathy 2; Ullrich congenital muscular dystrophy 2. Last evaluated: 2020-08-04. Review status: criteria provided, single submitter. Criteria: Invitae Variant Classification Sherloc (09022015). Collection method: clinical testing. Allele origin: germline.
Comment: In summary, the available evidence is currently insufficient to determine the role of this variant in disease. Therefore, it has been classified as a Variant of Uncertain Significance. This sequence change replaces phenylalanine with cysteine at codon 1087 of the COL12A1 protein (p.Phe1087Cys). The phenylalanine residue is highly conserved and there is a large physicochemical difference between phenylalanine and cysteine. This variant is not present in population databases (ExAC no frequency). This variant has not been reported in the literature in individuals with COL12A1-related conditions. Algorithms developed to predict the effect of missense changes on protein structure and function are either unavailable or do not agree on the potential impact of this missense change (SIFT: "Deleterious"; PolyPhen-2: "Possibly Damaging"; Align-GVGD: "Class C0"). Algorithms developed to predict the effect of sequence changes on RNA splicing suggest that this variant may create or strengthen a splice site, but this prediction has not been confirmed by published transcriptional studies.